The following is an entry in ClinVar:

ClinVar aggregate classification (germline): Benign (0 of 4 stars; one submission).

Conditions:
SDK2-related disorder. Also called: SDK2-related condition.

Allele frequency attached by ClinVar (database versions not stated): ESP Exome Variant Server 0.00638; gnomAD 0.00919; TOPMed 0.00983; ExAC 0.01290; 1000 Genomes Project 30x 0.02389; 1000 Genomes Project 0.02576.
gnomAD v4.1: 6,602 of 1,604,378 alleles (0.41%); highest among the groups gnomAD compares: East Asian, 7.9%; 184 homozygotes.

Submission:

PreventionGenetics, part of Exact Sciences
Classification: Benign for SDK2-related condition. Last evaluated: 2019-04-01. Review status: no assertion criteria provided. Collection method: clinical testing. Allele origin: germline.
Comment: This variant is classified as benign based on ACMG/AMP sequence variant interpretation guidelines (Richards et al. 2015 PMID: 25741868, with internal and published modifications).

NM_001144952.2(SDK2):c.4506T>C (p.Asp1502=)

Gene: SDK2 (sidekick cell adhesion molecule 2; minus strand). Cytogenetic location: 17q25.1.
Variant type: single nucleotide variant.
Coding change: c.4506T>C on transcript NM_001144952.2 (MANE Select); coding-DNA position 4506, T replaced by C.
Protein change: p.Asp1502=; no amino-acid change (aspartic acid 1502 retained).
Molecular consequence: synonymous variant.
Genome position (GRCh38, 1-based): chr17:73,385,910, A>G on the plus strand (T>C on the coding strand, the complement: SDK2 is on the minus strand). VCF-style: chr17-73385910-A-G. GRCh37 (hg19) VCF-style: chr17-71382049-A-G.
Identifiers: ClinVar variation 3056724 (VCV003056724.2), dbSNP rs78185984, ClinGen allele CA8742751.